The following is an entry in ClinVar:

ClinVar aggregate classification (germline): Pathogenic (1 of 4 stars; one submission).

Submission:

GeneDx
Classification: Pathogenic. Last evaluated: 2022-03-25. Review status: criteria provided, single submitter. Criteria: GeneDx Variant Classification Process June 2021. Collection method: clinical testing. Allele origin: germline. Affected: yes.
Comment: Canonical splice site variant predicted to result in a null allele in a gene for which loss of function is a known mechanism of disease; Not observed at significant frequency in large population cohorts (gnomAD); This variant is associated with the following publications: (PMID: 22262942)

NM_194277.3(FRMD7):c.163-1G>T

Gene: FRMD7 (FERM domain containing 7; minus strand). Cytogenetic location: Xq26.2.
Variant type: single nucleotide variant.
Coding change: c.163-1G>T on transcript NM_194277.3 (MANE Select); the canonical splice acceptor site of the intron before coding-DNA position 163, G replaced by T.
Molecular consequence: splice acceptor variant.
Genome position (GRCh38, 1-based): chrX:132,099,511, C>A on the plus strand (G>T on the coding strand, the complement: FRMD7 is on the minus strand). VCF-style: chrX-132099511-C-A. GRCh37 (hg19) VCF-style: chrX-131233539-C-A.
Other names: c.163-1G>T (NM_001306193.2).
Identifiers: ClinVar variation 1706825 (VCV001706825.2), dbSNP rs2520841758, ClinGen allele CA414682081.